The following is an entry in ClinVar:

NC_000010.10:g.(55913054_55943203)_(55996692_56077030)del

Gene: PCDH15 (protocadherin related 15; minus strand). Cytogenetic location: 10q21.1.
Variant type: Deletion.
Identifiers: ClinVar variation 1343720 (VCV001343720.1).

ClinVar aggregate classification (germline): Likely pathogenic (1 of 4 stars; one submission).

Conditions:
Usher syndrome type 1F (USH1F). Also called: USHER SYNDROME, TYPE IF. Identifiers: Orphanet 231169, Orphanet 886, MedGen C1865885, MONDO:0011186, OMIM 602083.

Submission:

Women's Health and Genetics/Laboratory Corporation of America, LabCorp
Classification: Likely pathogenic for Usher syndrome type 1F. Last evaluated: 2022-02-23. Review status: criteria provided, single submitter. Criteria: LabCorp Variant Classification Summary - May 2015. Collection method: clinical testing. Allele origin: germline.
Comment: Variant summary: The variant identified by MLPA or other technology involves the deletion of exons 9-13 in the PCDH15 gene. A presumed nomenclature of c.(876+1_877-1)_(1590+1_1591-1)del has been designated for the purposes of this classification. Although exact breakpoints of this deletion are not known, it is expected to result in a large in-frame deletion change in the PCDH15 gene, a known mechanism of disease. The variant was absent in 21694 control chromosomes (gnomAD, Structural Variants dataset). Deletion of exons 9-13 (also known as exons 10-14 using alternate exon numbering) has been reported in the literature in a homozygous individual affected with Usher Syndrome Type 1F (Abdi_2016). These data indicate that the variant may be associated with disease. A ClinVar submitter (evaluation after 2014) cites the variant as pathogenic. Based on the evidence outlined above, the variant was classified as likely pathogenic.

Literature cited by the submitters: PubMed 27583663.